The following is an entry in ClinVar:

ClinVar aggregate classification (germline): Uncertain significance (1 of 4 stars; one submission).

Allele frequency attached by ClinVar (database versions not stated): TOPMed 0.00001; ExAC 0.00002; gnomAD 0.00001; ESP Exome Variant Server 0.00008.

Submission:

Labcorp Genetics (formerly Invitae), Labcorp
Classification: Uncertain significance. Last evaluated: 2023-12-31. Review status: criteria provided, single submitter. Criteria: Invitae Variant Classification Sherloc (09022015). Collection method: clinical testing. Allele origin: germline.
Comment: This sequence change replaces methionine, which is neutral and non-polar, with isoleucine, which is neutral and non-polar, at codon 1489 of the RERE protein (p.Met1489Ile). This variant is present in population databases (rs151310146, gnomAD 0.02%). This variant has not been reported in the literature in individuals affected with RERE-related conditions. Advanced modeling of protein sequence and biophysical properties (such as structural, functional, and spatial information, amino acid conservation, physicochemical variation, residue mobility, and thermodynamic stability) has been performed at Invitae for this missense variant, however the output from this modeling did not meet the statistical confidence thresholds required to predict the impact of this variant on RERE protein function. In summary, the available evidence is currently insufficient to determine the role of this variant in disease. Therefore, it has been classified as a Variant of Uncertain Significance.

NM_001042681.2(RERE):c.4467G>A (p.Met1489Ile)

Gene: RERE (arginine-glutamic acid dipeptide repeats; minus strand). Cytogenetic location: 1p36.23.
Variant type: single nucleotide variant.
Coding change: c.4467G>A on transcript NM_001042681.2 (MANE Select); coding-DNA position 4467, G replaced by A.
Protein change: p.Met1489Ile; replaces methionine 1489 with isoleucine.
Molecular consequence: missense variant.
Genome position (GRCh38, 1-based): chr1:8,356,119, C>T on the plus strand (G>A on the coding strand, the complement: RERE is on the minus strand). VCF-style: chr1-8356119-C-T. GRCh37 (hg19) VCF-style: chr1-8416179-C-T.
Other names: c.2805G>A, p.Met935Ile (NM_001042682.2); c.4467G>A, p.Met1489Ile (NM_012102.4); short protein forms M1489I, M935I.
Identifiers: ClinVar variation 2960175 (VCV002960175.3), dbSNP rs151310146, ClinGen allele CA570789.
Genomic context (GRCh38, chr1:8,356,119, plus strand): 5'-CTCACACGGCCTCCCCGCCCCTCCTGGAGGGGAAGTCTTACCGAAAACTGGGTGGCGAAG[C>T]ATCTCGTGCTCGTGTGGGGGCTGTCCAAGCAGAGGGTTGGGGAGAGTGCCAGGCGGGTAG-3'
Protein context (NP_001036146.1, residues 1479-1499): LLGQPPHEHE[Met1489Ile]LRHPVFGTPY